The following is an entry in ClinVar:

ClinVar aggregate classification (germline): Uncertain significance. Review status: criteria provided, multiple submitters, no conflicts (2 of 4 stars). 2 submissions from 2 submitters: Uncertain significance (2). Last evaluated 2024-07-24.

Conditions:
Charcot-Marie-Tooth disease type 2. Also called: Charcot-Marie-Tooth type 2. Identifiers: Orphanet 64746, MedGen C0270914, MONDO:0018993.

Submissions (2):

Ambry Genetics
Classification: Uncertain significance. Last evaluated: 2024-07-24. Review status: criteria provided, single submitter. Criteria: Ambry Variant Classification Scheme 2023. Collection method: clinical testing. Allele origin: germline.
Comment: The p.R857P variant (also known as c.2570G>C), located in coding exon 24 of the KIF1B gene, results from a G to C substitution at nucleotide position 2570. The arginine at codon 857 is replaced by proline, an amino acid with dissimilar properties. This amino acid position is conserved. In addition, the in silico prediction for this alteration is inconclusive. Since supporting evidence is limited at this time, the clinical significance of this alteration remains unclear.

Labcorp Genetics (formerly Invitae), Labcorp
Classification: Uncertain significance for Charcot-Marie-Tooth disease type 2. Last evaluated: 2024-04-04. Review status: criteria provided, single submitter. Criteria: Invitae Variant Classification Sherloc (09022015). Collection method: clinical testing. Allele origin: germline.
Comment: This sequence change replaces arginine, which is basic and polar, with proline, which is neutral and non-polar, at codon 857 of the KIF1B protein (p.Arg857Pro). This variant is not present in population databases (gnomAD no frequency). This variant has not been reported in the literature in individuals affected with KIF1B-related conditions. ClinVar contains an entry for this variant (Variation ID: 1462658). An algorithm developed to predict the effect of missense changes on protein structure and function (PolyPhen-2) suggests that this variant is likely to be disruptive. In summary, the available evidence is currently insufficient to determine the role of this variant in disease. Therefore, it has been classified as a Variant of Uncertain Significance.

NM_001365951.3(KIF1B):c.2708G>C (p.Arg903Pro)

Genes: KIF1B (kinesin family member 1B; plus strand), LOC126805614 (BRD4-independent group 4 enhancer GRCh37_chr1:10385546-10386745; plus strand). Cytogenetic location: 1p36.22.
Variant type: single nucleotide variant.
Coding change: c.2708G>C on transcript NM_001365951.3 (MANE Select); coding-DNA position 2708, G replaced by C.
Protein change: p.Arg903Pro; replaces arginine 903 with proline.
Molecular consequence: missense variant.
Genome position (GRCh38, 1-based): chr1:10,326,143, G>C. VCF-style: chr1-10326143-G-C. GRCh37 (hg19) VCF-style: chr1-10386201-G-C.
Other names: c.2708G>C, p.Arg903Pro (NM_001365952.1); c.2570G>C, p.Arg857Pro (NM_015074.3); short protein forms R857P, R903P.
Identifiers: ClinVar variation 1462658 (VCV001462658.11), dbSNP rs778403355, ClinGen allele CA338336861.